The following is an entry in ClinVar:

ClinVar aggregate classification (germline): Benign (1 of 4 stars; one submission).

Conditions:
Leigh syndrome (NULS). Also called: Leigh's necrotizing encephalopathy; Leigh's disease; Leigh Syndrome (mtDNA deletion); Leigh Disease; Subacute necrotizing encephalopathy; Necrotizing encephalopathy infantile subacute of Leigh. Identifiers: Orphanet 506, MedGen C2931891, MONDO:0009723, OMIM 256000.

Submission:

Wong Mito Lab, Molecular and Human Genetics, Baylor College of Medicine
Classification: Benign for Leigh syndrome. Last evaluated: 2019-10-17. Review status: criteria provided, single submitter. Criteria: Modified ACMG Guidelines (Unpublished). Collection method: clinical testing. Allele origin: germline.
Comment: The NC_012920.1:m.11337A>G (YP_003024035.1:p.Asn193Ser) variant in MTND4 gene is interpretated to be a Benign variant based on the modified ACMG guidelines (unpublished). This variant meets the following evidence codes: BS1, BS2, BP4

NC_012920.1(MT-ND4):m.11337A>G

Gene: MT-ND4 (mitochondrially encoded NADH dehydrogenase 4; plus strand).
Variant type: single nucleotide variant.
Genome position: chrM-11337-A-G.
Identifiers: ClinVar variation 693362 (VCV000693362.1), dbSNP rs1603223247, ClinGen allele CA414809969.